The following is an entry in ClinVar:

NM_017617.5(NOTCH1):c.5818C>T (p.Arg1940Cys)

Gene: NOTCH1 (notch receptor 1; minus strand). Cytogenetic location: 9q34.3.
Variant type: single nucleotide variant.
Coding change: c.5818C>T on transcript NM_017617.5 (MANE Select); coding-DNA position 5818, C replaced by T.
Protein change: p.Arg1940Cys; replaces arginine 1940 with cysteine.
Molecular consequence: missense variant.
Genome position (GRCh38, 1-based): chr9:136,500,668, G>A on the plus strand (C>T on the coding strand, the complement: NOTCH1 is on the minus strand). VCF-style: chr9-136500668-G-A. GRCh37 (hg19) VCF-style: chr9-139395120-G-A.
Other names: short protein forms R1940C.
Identifiers: ClinVar variation 4805200 (VCV004805200.1).

ClinVar aggregate classification (germline): Uncertain significance (1 of 4 stars; one submission).

Conditions:
Adams-Oliver syndrome 5 (AOS5). Identifiers: Orphanet 974, MedGen C4014970, MONDO:0014459, OMIM 616028.

gnomAD v4.1: 5 of 1,611,638 alleles (0.00031%); highest among the groups gnomAD compares: Non-Finnish European, 0.00042%; no homozygotes.

Submission:

Labcorp Genetics (formerly Invitae), Labcorp
Classification: Uncertain significance for Adams-Oliver syndrome 5. Last evaluated: 2025-11-21. Review status: criteria provided, single submitter. Criteria: Invitae Variant Classification Sherloc (09022015). Collection method: clinical testing. Allele origin: germline.
Comment: This sequence change replaces arginine, which is basic and polar, with cysteine, which is neutral and slightly polar, at codon 1940 of the NOTCH1 protein (p.Arg1940Cys). The frequency data for this variant in the population databases is considered unreliable, as metrics indicate poor data quality at this position in the gnomAD database. This variant has not been reported in the literature in individuals affected with NOTCH1-related conditions. Invitae Evidence Modeling of protein sequence and biophysical properties (such as structural, functional, and spatial information, amino acid conservation, physicochemical variation, residue mobility, and thermodynamic stability) has been performed for this missense variant. However, the output from this modeling did not meet the statistical confidence thresholds required to predict the impact of this variant on NOTCH1 protein function. In summary, the available evidence is currently insufficient to determine the role of this variant in disease. Therefore, it has been classified as a Variant of Uncertain Significance.